The following is an entry in ClinVar:

NM_021176.3(G6PC2):c.441-4G>A

Gene: G6PC2 (glucose-6-phosphatase catalytic subunit 2; plus strand). Cytogenetic location: 2q31.1.
Variant type: single nucleotide variant.
Coding change: c.441-4G>A on transcript NM_021176.3 (MANE Select); 4 bases into the intron before coding-DNA position 441, G replaced by A.
Molecular consequence: intron variant.
Genome position (GRCh38, 1-based): chr2:168,906,660, G>A. VCF-style: chr2-168906660-G-A. GRCh37 (hg19) VCF-style: chr2-169763170-G-A.
Other names: c.441-908G>A (NM_001081686.2).
Identifiers: ClinVar variation 3039044 (VCV003039044.2), dbSNP rs181737385, ClinGen allele CA1950706.

ClinVar aggregate classification (germline): Benign (0 of 4 stars; one submission).

Conditions:
G6PC2-related disorder. Also called: G6PC2-related condition.

Allele frequency attached by ClinVar (database versions not stated): ExAC 0.00086; 1000 Genomes Project 0.00180; 1000 Genomes Project 30x 0.00219; gnomAD 0.00259; TOPMed 0.00286; ESP Exome Variant Server 0.00354.
gnomAD v4.1: 815 of 1,470,228 alleles (0.055%); highest among the groups gnomAD compares: African/African-American, 0.97%; 2 homozygotes.

Submission:

PreventionGenetics, part of Exact Sciences
Classification: Benign for G6PC2-related condition. Last evaluated: 2019-05-28. Review status: no assertion criteria provided. Collection method: clinical testing. Allele origin: germline.
Comment: This variant is classified as benign based on ACMG/AMP sequence variant interpretation guidelines (Richards et al. 2015 PMID: 25741868, with internal and published modifications).